The following is an entry in ClinVar:

ClinVar aggregate classification (germline): Uncertain significance (1 of 4 stars; one submission).

Conditions:
GJB3-related disorder. Also called: GJB3-related condition.

Submission:

PreventionGenetics, part of Exact Sciences
Classification: Uncertain significance for GJB3-related condition. Last evaluated: 2025-03-02. Review status: criteria provided, single submitter. Criteria: ACMG Guidelines, 2015. Collection method: clinical testing. Allele origin: germline.
Comment: The GJB3 c.22G>A variant is predicted to result in the amino acid substitution p.Ala8Thr. To our knowledge, this variant has not been reported in the literature. This variant is reported in 0.00088% of alleles in individuals of European (Non-Finnish) descent in gnomAD. At this time, the clinical significance of this variant is uncertain due to the absence of conclusive functional and genetic evidence.

NM_024009.3(GJB3):c.22G>A (p.Ala8Thr)

Gene: GJB3 (gap junction protein beta 3; plus strand). Cytogenetic location: 1p34.3.
Variant type: single nucleotide variant.
Coding change: c.22G>A on transcript NM_024009.3 (MANE Select); coding-DNA position 22, G replaced by A.
Protein change: p.Ala8Thr; replaces alanine 8 with threonine.
Molecular consequence: missense variant.
Genome position (GRCh38, 1-based): chr1:34,784,784, G>A. VCF-style: chr1-34784784-G-A. GRCh37 (hg19) VCF-style: chr1-35250385-G-A.
Other names: c.22G>A, p.Ala8Thr (NM_001005752.2); short protein forms A8T.
Identifiers: ClinVar variation 4990478 (VCV004990478.1).
Genomic context (GRCh38, chr1:34,784,784, plus strand): 5'-TCTAATTCTCTCAGGTAGGCACGGCCCCCACCAGGCGCCATGGACTGGAAGACACTCCAG[G>A]CCCTACTGAGCGGTGTGAACAAGTACTCCACAGCGTTCGGGCGCATCTGGCTGTCCGTGG-3'
Protein context (NP_076872.1, residues 1-18): MDWKTLQ[Ala8Thr]LLSGVNKYST